The following is an entry in ClinVar:

ClinVar aggregate classification (germline): Likely pathogenic (1 of 4 stars; one submission).

Conditions:
Kleefstra syndrome 1 (KLEFS1). Identifiers: Orphanet 261494, MedGen C0795833, MONDO:0027407, OMIM 610253.

Submission:

New York Genome Center
Classification: Likely pathogenic for Kleefstra syndrome 1. Last evaluated: 2020-05-29. Review status: criteria provided, single submitter. Criteria: NYGC Assertion Criteria 2020. Collection method: clinical testing. Allele origin: inherited. Observed: 1 heterozygote. Study: CSER-NYCKidSeq.
Comment: The inherited heterozygous 53 kb deletion in EHMT is absent from the gnomAD SVs (v2) database indicating it is an extremely rare allele in the general population. This deletion removes the exon-2 (2/27, comprised of 64 nucleotides) of EHMT1 gene causing a shift in the wildtype translational reading frame and is predicted to result in loss of normal protein function either through protein truncation or nonsense-mediated mRNA decay. Loss of function variants in the EHMT1 gene are known to be pathogenic [PMID: 16826528; PMID: 20945554]. Based on the current evidence, this inherited 53 kb deletion involving exon-2 of the EHMT1gene is assessed as likely pathogenic.

NC_000009.12:g.137661384_137714409del

Genes: EHMT1 (euchromatic histone lysine methyltransferase 1; plus strand), LOC124375254 (Sharpr-MPRA regulatory region 8502; plus strand), LOC130003138 (ATAC-STARR-seq lymphoblastoid active region 29358; plus strand), LOC130003139 (ATAC-STARR-seq lymphoblastoid active region 29359; plus strand). Cytogenetic location: 9q34.3.
Variant type: Deletion.
Identifiers: ClinVar variation 1341714 (VCV001341714.1).